The following is an entry in ClinVar:

NM_018896.5(CACNA1G):c.770G>A (p.Arg257His)

Gene: CACNA1G (calcium voltage-gated channel subunit alpha1 G; plus strand). Cytogenetic location: 17q21.33.
Variant type: single nucleotide variant.
Coding change: c.770G>A on transcript NM_018896.5 (MANE Select); coding-DNA position 770, G replaced by A.
Protein change: p.Arg257His; replaces arginine 257 with histidine.
Molecular consequence: missense variant. On other transcripts: non-coding transcript variant (5).
Genome position (GRCh38, 1-based): chr17:50,572,577, G>A. VCF-style: chr17-50572577-G-A. GRCh37 (hg19) VCF-style: chr17-48649938-G-A.
Other names: c.770G>A, p.Arg257His (NM_001256324.2, NM_001256325.2, NM_001256326.2 and 24 more transcripts); short protein forms R257H.
Identifiers: ClinVar variation 3340868 (VCV003340868.1).

ClinVar aggregate classification (germline): Uncertain significance (1 of 4 stars; one submission).

gnomAD v4.1: 15 of 1,568,462 alleles (0.00096%); highest among the groups gnomAD compares: East Asian, 0.0023%; no homozygotes.

Submission:

GeneDx
Classification: Uncertain significance. Last evaluated: 2023-12-15. Review status: criteria provided, single submitter. Criteria: GeneDx Variant Classification Process June 2021. Collection method: clinical testing. Allele origin: germline. Affected: yes.
Comment: In silico analysis supports that this missense variant does not alter protein structure/function; Has not been previously published as pathogenic or benign to our knowledge